The following is an entry in ClinVar:

NM_000410.4(HFE):c.814G>T (p.Val272Leu)

Gene: HFE (homeostatic iron regulator; plus strand). Cytogenetic location: 6p22.2.
Variant type: single nucleotide variant.
Coding change: c.814G>T on transcript NM_000410.4 (MANE Select); coding-DNA position 814, G replaced by T.
Protein change: p.Val272Leu; replaces valine 272 with leucine.
Molecular consequence: missense variant. On other transcripts: intron variant (1).
Genome position (GRCh38, 1-based): chr6:26,092,882, G>T. VCF-style: chr6-26092882-G-T. GRCh37 (hg19) VCF-style: chr6-26093110-G-T.
Other names: c.814G>T, p.Val272Leu (NM_001300749.3, NM_001384164.1); c.805G>T, p.Val269Leu (NM_001406751.1); c.550G>T, p.Val184Leu (NM_001406752.1, NM_139007.3); c.496G>T, p.Val166Leu (NM_139003.3); c.538G>T, p.Val180Leu (NM_139004.3); c.772G>T, p.Val258Leu (NM_139006.3); c.508G>T, p.Val170Leu (NM_139008.3); c.745G>T, p.Val249Leu (NM_139009.3); and 2 more; short protein forms V166L, V170L, V180L, V184L, V249L, V258L, V269L, V272L.
Identifiers: ClinVar variation 2506193 (VCV002506193.1), dbSNP rs748693003, ClinGen allele CA363208361.

ClinVar aggregate classification (germline): Uncertain significance (1 of 4 stars; one submission).

gnomAD v4.1: 4 of 1,614,102 alleles (0.00025%); highest among the groups gnomAD compares: African/African-American, 0.0013%; no homozygotes.

Submission:

Women's Health and Genetics/Laboratory Corporation of America, LabCorp
Classification: Uncertain significance. Last evaluated: 2023-05-09. Review status: criteria provided, single submitter. Criteria: LabCorp Variant Classification Summary - May 2015. Collection method: clinical testing. Allele origin: germline.
Comment: Variant summary: HFE c.814G>T (p.Val272Leu) results in a conservative amino acid change in the encoded protein sequence. Four of five in-silico tools predict a benign effect of the variant on protein function. The variant was absent in 251438 control chromosomes. The available data on variant occurrences in the general population are insufficient to allow any conclusion about variant significance. c.814G>T has been reported in the literature in individuals affected with Hemochromatosis Type 1 (Jones_2002, Kingston_2007) without strong evidence for causality. These reports do not provide unequivocal conclusions about association of the variant with Hemochromatosis Type 1. To our knowledge, no experimental evidence demonstrating an impact on protein function has been reported. The following publications have been ascertained in the context of this evaluation (PMID: 12542741, 17079357). No clinical diagnostic laboratories have submitted clinical-significance assessments for this variant to ClinVar after 2014. Based on the evidence outlined above, the variant was classified as uncertain significance.

Literature cited by the submitters: PubMed 12542741; PubMed 17079357.